The following is an entry in ClinVar:

ClinVar aggregate classification (germline): Pathogenic (1 of 4 stars; one submission).

Conditions:
Hereditary cancer-predisposing syndrome. Also called: Neoplastic Syndromes, Hereditary; Tumor predisposition; Hereditary neoplastic syndrome; Hereditary Cancer Syndrome. Identifiers: Orphanet 140162, MedGen C0027672, MeSH D009386, MONDO:0015356.

Submission:

Ambry Genetics
Classification: Pathogenic for Hereditary cancer-predisposing syndrome. Last evaluated: 2018-07-26. Review status: criteria provided, single submitter. Criteria: Ambry Variant Classification Scheme 2023. Collection method: clinical testing. Allele origin: germline.
Comment: The c.4028_4029delCT pathogenic mutation, located in coding exon 15 of the APC gene, results from a deletion of two nucleotides at nucleotide positions 4028 to 4029, causing a translational frameshift with a predicted alternate stop codon (p.S1343Ffs*10). This alteration is expected to result in loss of function by premature protein truncation. As such, this alteration is interpreted as a disease-causing mutation.

NM_000038.6(APC):c.4028_4029del (p.Ser1343fs)

Gene: APC (APC regulator of Wnt signaling pathway; plus strand). Cytogenetic location: 5q22.2.
Variant type: Deletion.
Coding change: c.4028_4029del on transcript NM_000038.6 (MANE Select); coding-DNA positions 4028 to 4029, 2 bases deleted (CT; older notation c.4028_4029delCT).
Protein change: p.Ser1343fs; shifts the reading frame from serine 1343.
Molecular consequence: frameshift variant.
Genome position (GRCh38, 1-based): chr5:112,839,622-112,839,623, CT deleted; deleting any 2 consecutive bases within chr5:112,839,621-112,839,623 gives the same sequence; the c. name uses the placement nearest the transcript's 3' end. VCF-style (leftmost placement, unchanged base first): chr5-112839620-ATC-A. GRCh37 (hg19) VCF-style: chr5-112175317-ATC-A.
Other names: c.4028_4029del, p.Ser1343fs (NM_001127510.3, NM_001354895.2); c.3974_3975del, p.Ser1325fs (NM_001127511.3); c.4082_4083del, p.Ser1361fs (NM_001354896.2); c.4058_4059del, p.Ser1353fs (NM_001354897.2); c.3953_3954del, p.Ser1318fs (NM_001354898.2); c.3944_3945del, p.Ser1315fs (NM_001354899.2); c.3905_3906del, p.Ser1302fs (NM_001354900.2); c.3851_3852del, p.Ser1284fs (NM_001354901.2); and 5 more; short protein forms S1217fs, S1302fs, S1060fs, S1284fs, S1325fs, S1252fs, S1315fs, S1318fs.
Identifiers: ClinVar variation 824521 (VCV000824521.4), dbSNP rs1580643056, ClinGen allele CA915943486.